The following is an entry in ClinVar:

NM_015100.4(POGZ):c.2750dup (p.Pro918fs)

Gene: POGZ (pogo transposable element derived with ZNF domain; minus strand). Cytogenetic location: 1q21.3.
Variant type: Duplication.
Coding change: c.2750dup on transcript NM_015100.4 (MANE Select); coding-DNA position 2750, one base duplicated (C; older notation c.2750dupC).
Protein change: p.Pro918fs; shifts the reading frame from proline 918.
Molecular consequence: frameshift variant.
Genome position (GRCh38, 1-based): chr1:151,406,285, G duplicated on the plus strand (C on the coding strand, the reverse complement: POGZ is on the minus strand); the first of 4 consecutive G bases (chr1:151,406,285-151,406,288); duplicating any one gives the same sequence. VCF-style (leftmost placement, unchanged base first): chr1-151406284-T-TG. GRCh37 (hg19) VCF-style: chr1-151378760-T-TG.
Other names: c.2723dup, p.Pro909fs (NM_001194937.2); c.2564dup, p.Pro856fs (NM_001194938.2); c.2465dup, p.Pro823fs (NM_145796.4); c.2591dup, p.Pro865fs (NM_207171.2); short protein forms P918fs, P823fs, P865fs, P909fs, P856fs.
Identifiers: ClinVar variation 207797 (VCV000207797.2), dbSNP rs796052216, ClinGen allele CA319616.
Genomic context (GRCh38, chr1:151,406,284, plus strand): 5'-GGCTCCCTCTGTAGCCAGCGGTGGAAGGGCTAAAGCCTGCGGGTGAGTGGGGGTTGGTGG[T>TG]GGGGTTGCAGTTGAGGCTGGTGATGGGAGTGCTGGGGCTAAGGGAGTTAGTAGCTCTTCA-3'

ClinVar aggregate classification (germline): Pathogenic (1 of 4 stars; one submission).

Submission:

GeneDx
Classification: Pathogenic. Last evaluated: 2016-06-06. Review status: criteria provided, single submitter. Criteria: GeneDx Variant Classification (06012015). Collection method: clinical testing. Allele origin: germline. Affected: yes.
Comment: The c.2750dupC variant in the POGZ gene has been published as a pathogenic variant associated with POGZ-related disorders (Ye et al., 2015). The c.2750dupC variant causes a frameshift starting with codon Proline 918, changes this amino acid to a Threonine residue, and creates a premature Stop codon at position 26 of the new reading frame, denoted p.Pro918ThrfsX26. This variant is predicted to cause loss of normal protein function through protein truncation. The c.2750dupC variant was not observed in approximately 6500 individuals of European and African American ancestry in the NHLBI Exome Sequencing Project, indicating it is not a common benign variant in these populations. We interpret c.2750dupC as a pathogenic variant.